The following is an entry in ClinVar:

ClinVar aggregate classification (germline): Uncertain significance (1 of 4 stars; one submission).

Conditions:
Epidermolysis bullosa simplex 3, localized or generalized intermediate, with BP230 deficiency (EBS3). Also called: Epidermolysis bullosa simplex, autosomal recessive 2; Epidermolysis bullosa simplex due to BP230 deficiency. Identifiers: Orphanet 412181, MedGen C3809470, MONDO:0014180, OMIM 615425.
Hereditary sensory and autonomic neuropathy type 6. Also called: Neuropathy, hereditary sensory and autonomic, type VI; HSAN VI. Identifiers: Orphanet 314381, MedGen C3539003, MONDO:0013839, OMIM 614653.

Allele frequency attached by ClinVar (database versions not stated): gnomAD exomes below 0.00001 and 0.00001; TOPMed below 0.00001; ExAC 0.00002.

Submission:

Labcorp Genetics (formerly Invitae), Labcorp
Classification: Uncertain significance for Epidermolysis bullosa simplex 3, localized or generalized intermediate, with BP230 deficiency; Hereditary sensory and autonomic neuropathy type 6. Last evaluated: 2022-12-06. Review status: criteria provided, single submitter. Criteria: Invitae Variant Classification Sherloc (09022015). Collection method: clinical testing. Allele origin: germline.
Comment: Algorithms developed to predict the effect of missense changes on protein structure and function are either unavailable or do not agree on the potential impact of this missense change (SIFT: "Deleterious"; PolyPhen-2: "Probably Damaging"; Align-GVGD: "Class C15"). This sequence change replaces leucine, which is neutral and non-polar, with phenylalanine, which is neutral and non-polar, at codon 1256 of the DST protein (p.Leu1256Phe). This variant is not present in population databases (gnomAD no frequency). This variant has not been reported in the literature in individuals affected with DST-related conditions. ClinVar contains an entry for this variant (Variation ID: 962227). In summary, the available evidence is currently insufficient to determine the role of this variant in disease. Therefore, it has been classified as a Variant of Uncertain Significance.

NM_001723.7(DST):c.3766C>T (p.Leu1256Phe)

Gene: DST (dystonin; minus strand). Cytogenetic location: 6p12.1.
Variant type: single nucleotide variant.
Coding change: c.3766C>T on transcript NM_001723.7 (MANE Plus Clinical); coding-DNA position 3766, C replaced by T.
Protein change: p.Leu1256Phe; replaces leucine 1256 with phenylalanine.
Molecular consequence: missense variant. On other transcripts: intron variant (10).
Genome position (GRCh38, 1-based): chr6:56,620,268, G>A on the plus strand (C>T on the coding strand, the complement: DST is on the minus strand). VCF-style: chr6-56620268-G-A. GRCh37 (hg19) VCF-style: chr6-56485066-G-A.
Other names: c.4929+4262C>T (NM_001374736.1, NM_001374722.1); c.4956+4262C>T (NM_001374734.1); c.4416+4262C>T (NM_001144770.2); c.4296+4262C>T (NM_001374730.1, NM_001386100.1, NM_183380.4 and 1 more transcripts); c.3318+4262C>T (NM_015548.5); c.4830+4262C>T (NM_001144769.5); short protein forms L1256F.
Identifiers: ClinVar variation 962227 (VCV000962227.8), dbSNP rs757171775, ClinGen allele CA3870654.
Genomic context (GRCh38, chr6:56,620,268, plus strand): 5'-CTTCCATTAATTTATTTTTTTGTTGCTCCAAATCATTGAGACTTAAATCTTTTCTTTTAA[G>A]ATGATCTTCCAGTGTTCGTCTGGTAAAGGTGTTTTCCTCCAACTGATTGCGAAAATTCAG-3'
Protein context (NP_001714.1, residues 1246-1266): TFTRRTLEDH[Leu1256Phe]KRKDLSLNDL